The following is an entry in ClinVar:

NM_138387.4(G6PC3):c.52C>G (p.Gln18Glu)

Gene: G6PC3 (glucose-6-phosphatase catalytic subunit 3; plus strand). Cytogenetic location: 17q21.31.
Variant type: single nucleotide variant.
Coding change: c.52C>G on transcript NM_138387.4 (MANE Select); coding-DNA position 52, C replaced by G.
Protein change: p.Gln18Glu; replaces glutamine 18 with glutamic acid.
Molecular consequence: missense variant. On other transcripts: 5 prime UTR variant (3), intron variant (1).
Genome position (GRCh38, 1-based): chr17:44,071,017, C>G. VCF-style: chr17-44071017-C-G. GRCh37 (hg19) VCF-style: chr17-42148385-C-G.
Other names: c.52C>G, p.Gln18Glu (NM_001319945.2); c.-353C>G (NM_001384165.1); c.-488C>G (NM_001384166.1); c.-478C>G (NM_001384167.1); c.-312+303C>G (NM_001384168.1); short protein forms Q18E.
Identifiers: ClinVar variation 4260980 (VCV004260980.1).
Genomic context (GRCh38, chr17:44,071,017, plus strand): 5'-TGGGCCGCCATGGAGTCCACGCTGGGCGCGGGCATCGTGATAGCCGAGGCGCTACAGAAC[C>G]AGCTAGCCTGGCTGGAGAACGTGTGGCTCTGGATCACCTTTCTGGGCGATCCCAAGATCC-3'
Protein context (NP_612396.1, residues 8-28): GIVIAEALQN[Gln18Glu]LAWLENVWLW

ClinVar aggregate classification (germline): Uncertain significance (1 of 4 stars; one submission).

Conditions:
Inborn genetic diseases. Identifiers: MedGen C0950123, MeSH D030342.

Submission:

Ambry Genetics
Classification: Uncertain significance for Inborn genetic diseases. Last evaluated: 2025-07-07. Review status: criteria provided, single submitter. Criteria: Ambry Variant Classification Scheme 2023. Collection method: clinical testing. Allele origin: germline.
Comment: The p.Q18E variant (also known as c.52C>G), located in coding exon 1 of the G6PC3 gene, results from a C to G substitution at nucleotide position 52. The glutamine at codon 18 is replaced by glutamic acid, an amino acid with highly similar properties. This amino acid position is conserved. In addition, this alteration is predicted to be tolerated by in silico analysis. Based on the available evidence, the clinical significance of this variant remains unclear.